The following is an entry in ClinVar:

ClinVar aggregate classification (germline): Uncertain significance (1 of 4 stars; one submission).

Allele frequency attached by ClinVar (database versions not stated): gnomAD 0.00001; gnomAD exomes 0.00001; TOPMed 0.00001; ExAC 0.00002.
gnomAD v4.1: 21 of 1,560,356 alleles (0.0013%); highest among the groups gnomAD compares: South Asian, 0.0071%; no homozygotes.

Submission:

Labcorp Genetics (formerly Invitae), Labcorp
Classification: Uncertain significance. Last evaluated: 2022-05-25. Review status: criteria provided, single submitter. Criteria: Invitae Variant Classification Sherloc (09022015). Collection method: clinical testing. Allele origin: germline.
Comment: In summary, the available evidence is currently insufficient to determine the role of this variant in disease. Therefore, it has been classified as a Variant of Uncertain Significance. Algorithms developed to predict the effect of sequence changes on RNA splicing suggest that this variant may create or strengthen a splice site. Algorithms developed to predict the effect of missense changes on protein structure and function (SIFT, PolyPhen-2, Align-GVGD) all suggest that this variant is likely to be disruptive. This variant has not been reported in the literature in individuals affected with ZNF335-related conditions. The frequency data for this variant in the population databases is considered unreliable, as metrics indicate poor data quality at this position in the gnomAD database. This sequence change replaces arginine, which is basic and polar, with histidine, which is basic and polar, at codon 720 of the ZNF335 protein (p.Arg720His).

NM_022095.4(ZNF335):c.2159G>A (p.Arg720His)

Gene: ZNF335 (zinc finger protein 335; minus strand). Cytogenetic location: 20q13.12.
Variant type: single nucleotide variant.
Coding change: c.2159G>A on transcript NM_022095.4 (MANE Select); coding-DNA position 2159, G replaced by A.
Protein change: p.Arg720His; replaces arginine 720 with histidine.
Molecular consequence: missense variant.
Genome position (GRCh38, 1-based): chr20:45,959,295, C>T on the plus strand (G>A on the coding strand, the complement: ZNF335 is on the minus strand). VCF-style: chr20-45959295-C-T. GRCh37 (hg19) VCF-style: chr20-44587934-C-T.
Other names: short protein forms R720H.
Identifiers: ClinVar variation 1935501 (VCV001935501.5), dbSNP rs778575896, ClinGen allele CA9885463.
Genomic context (GRCh38, chr20:45,959,295, plus strand): 5'-GGGGCCGCACTGTGCTGCTGCTTCAGCTCCTCAATCTGCTGCAGAGAGAAGAAGGGGCGA[C>T]GGCGGGAGGGGGGCTCCTCAGGGTGGCGCCTCCCCCATTCCTCGAAGCTGCTTGCGTGTC-3'
Protein context (NP_071378.1, residues 710-730): RRHPEEPPSR[Arg720His]RPFFSLQQIE